The following is an entry in ClinVar:

NM_006231.4(POLE):c.3110G>A (p.Arg1037His)

Gene: POLE (DNA polymerase epsilon, catalytic subunit; minus strand). Cytogenetic location: 12q24.33.
Variant type: single nucleotide variant.
Coding change: c.3110G>A on transcript NM_006231.4 (MANE Select); coding-DNA position 3110, G replaced by A.
Protein change: p.Arg1037His; replaces arginine 1037 with histidine.
Molecular consequence: missense variant.
Genome position (GRCh38, 1-based): chr12:132,659,460, C>T on the plus strand (G>A on the coding strand, the complement: POLE is on the minus strand). VCF-style: chr12-132659460-C-T. GRCh37 (hg19) VCF-style: chr12-133236046-C-T.
Other names: short protein forms R1037H.
Identifiers: ClinVar variation 1414380 (VCV001414380.8), dbSNP rs1397985428, ClinGen allele CA387391686.

ClinVar aggregate classification (germline): Uncertain significance (1 of 4 stars; one submission).

Allele frequency attached by ClinVar (database versions not stated): gnomAD exomes below 0.00001 and 0.00001; TOPMed below 0.00001; gnomAD 0.00001.
gnomAD v4.1: 5 of 1,614,094 alleles (0.00031%); highest among the groups gnomAD compares: East Asian, 0.0045%; no homozygotes.

Submission:

Labcorp Genetics (formerly Invitae), Labcorp
Classification: Uncertain significance. Last evaluated: 2025-09-09. Review status: criteria provided, single submitter. Criteria: Invitae Variant Classification Sherloc (09022015). Collection method: clinical testing. Allele origin: germline.
Comment: This sequence change replaces arginine, which is basic and polar, with histidine, which is basic and polar, at codon 1037 of the POLE protein (p.Arg1037His). This variant is not present in population databases (gnomAD no frequency). This variant has not been reported in the literature in individuals affected with POLE-related conditions. ClinVar contains an entry for this variant (Variation ID: 1414380). Invitae Evidence Modeling of protein sequence and biophysical properties (such as structural, functional, and spatial information, amino acid conservation, physicochemical variation, residue mobility, and thermodynamic stability) indicates that this missense variant is expected to disrupt POLE protein function with a positive predictive value of 80%. In summary, the available evidence is currently insufficient to determine the role of this variant in disease. Therefore, it has been classified as a Variant of Uncertain Significance.